The following is an entry in ClinVar:

ClinVar aggregate classification (germline): Uncertain significance (1 of 4 stars; one submission).

Conditions:
Very long chain acyl-CoA dehydrogenase deficiency (ACADVLD). Also called: Very Long-Chain Acyl-Coenzyme A Dehydrogenase Deficiency; VLCAD Deficiency. Identifiers: Orphanet 26793, MedGen C3887523, MONDO:0008723, OMIM 201475.

Allele frequency attached by ClinVar (database versions not stated): gnomAD exomes below 0.00001.

Submission:

Labcorp Genetics (formerly Invitae), Labcorp
Classification: Uncertain significance for Very long chain acyl-CoA dehydrogenase deficiency. Last evaluated: 2022-05-04. Review status: criteria provided, single submitter. Criteria: Invitae Variant Classification Sherloc (09022015). Collection method: clinical testing. Allele origin: germline.
Comment: In summary, the available evidence is currently insufficient to determine the role of this variant in disease. Therefore, it has been classified as a Variant of Uncertain Significance. This sequence change affects codon 145 of the ACADVL mRNA. It is a 'silent' change, meaning that it does not change the encoded amino acid sequence of the ACADVL protein. This variant is not present in population databases (gnomAD no frequency). This variant has not been reported in the literature in individuals affected with ACADVL-related conditions. Algorithms developed to predict the effect of sequence changes on RNA splicing suggest that this variant may create or strengthen a splice site.

NM_000018.4(ACADVL):c.435A>G (p.Gln145=)

Gene: ACADVL (acyl-CoA dehydrogenase very long chain; plus strand). Cytogenetic location: 17p13.1.
Variant type: single nucleotide variant.
Coding change: c.435A>G on transcript NM_000018.4 (MANE Select); coding-DNA position 435, A replaced by G.
Protein change: p.Gln145=; no amino-acid change (glutamine 145 retained).
Molecular consequence: synonymous variant.
Genome position (GRCh38, 1-based): chr17:7,221,016, A>G. VCF-style: chr17-7221016-A-G. GRCh37 (hg19) VCF-style: chr17-7124335-A-G.
Other names: c.369A>G, p.Gln123= (NM_001033859.3); c.504A>G, p.Gln168= (NM_001270447.2); c.207A>G, p.Gln69= (NM_001270448.2).
Identifiers: ClinVar variation 2183464 (VCV002183464.4), dbSNP rs1000495978, ClinGen allele CA497693887.